The following is an entry in ClinVar:

NM_001080495.3(TNRC18):c.7467G>A (p.Ala2489=)

Gene: TNRC18 (trinucleotide repeat containing 18; minus strand). Cytogenetic location: 7p22.1.
Variant type: single nucleotide variant.
Coding change: c.7467G>A on transcript NM_001080495.3 (MANE Select); coding-DNA position 7467, G replaced by A.
Protein change: p.Ala2489=; no amino-acid change (alanine 2489 retained).
Molecular consequence: synonymous variant.
Genome position (GRCh38, 1-based): chr7:5,313,424, C>T on the plus strand (G>A on the coding strand, the complement: TNRC18 is on the minus strand). VCF-style: chr7-5313424-C-T. GRCh37 (hg19) VCF-style: chr7-5353055-C-T.
Identifiers: ClinVar variation 709427 (VCV000709427.27), dbSNP rs371177133, ClinGen allele CA4143724.
Genomic context (GRCh38, chr7:5,313,424, plus strand): 5'-GCCGGCCGCGGGGGGATAGCTGCCCAGGCTCAGGAGGCTCTTGGGCTCCTGCCAGCCCCC[C>T]GCCCCCGGATCCTCCCGGAGCAGCAGGGCCTCTTTAGCCTTCTTGCTTTTGGGTGACGTG-3'
Protein context (NP_001073964.2, residues 2479-2499): EALLLREDPG[Ala2489=]GGWQEPKSLL

ClinVar aggregate classification (germline): Benign/Likely benign. Review status: criteria provided, multiple submitters, no conflicts (2 of 4 stars). 2 submissions from 2 submitters: Benign (1); Likely benign (1). Last evaluated 2023-04-01.

Allele frequency attached by ClinVar (database versions not stated): 1000 Genomes Project 0.00040; 1000 Genomes Project 30x 0.00047; TOPMed 0.00077; gnomAD 0.00080; ESP Exome Variant Server 0.00097.
gnomAD v4.1: 382 of 1,606,538 alleles (0.024%); highest among the groups gnomAD compares: Middle Eastern, 0.23%; 1 homozygote.

Submissions (2):

CeGaT Center for Human Genetics Tuebingen
Classification: Likely benign. Last evaluated: 2023-04-01. Review status: criteria provided, single submitter. Criteria: CeGaT Center For Human Genetics Tuebingen Variant Classification Criteria Version 2. Collection method: clinical testing. Allele origin: germline. Affected: yes. Observed: 1 variant allele.
Comment: TNRC18: BP4, BP7

Labcorp Genetics (formerly Invitae), Labcorp
Classification: Benign. Last evaluated: 2018-07-06. Review status: criteria provided, single submitter. Criteria: Invitae Variant Classification Sherloc (09022015). Collection method: clinical testing. Allele origin: germline.